The following is an entry in ClinVar:

ClinVar aggregate classification (germline): Uncertain significance. Review status: criteria provided, multiple submitters, no conflicts (2 of 4 stars). 3 submissions from 3 submitters: Uncertain significance (3). Last evaluated 2025-06-23.

Conditions:
Short stature, microcephaly, and endocrine dysfunction (SSMED). Identifiers: Orphanet 436182, MedGen C4225288, MONDO:0014686, OMIM 616541.
Inborn genetic diseases. Identifiers: MedGen C0950123, MeSH D030342.

Allele frequency attached by ClinVar (database versions not stated): gnomAD 0.00002; gnomAD exomes 0.00004; ExAC 0.00006.
gnomAD v4.1: 21 of 1,612,360 alleles (0.0013%); highest among the groups gnomAD compares: East Asian, 0.043%; no homozygotes.

Submissions (3):

Labcorp Genetics (formerly Invitae), Labcorp
Classification: Uncertain significance. Last evaluated: 2025-06-23. Review status: criteria provided, single submitter. Criteria: Invitae Variant Classification Sherloc (09022015). Collection method: clinical testing. Allele origin: germline.
Comment: This sequence change replaces glutamic acid, which is acidic and polar, with lysine, which is basic and polar, at codon 317 of the XRCC4 protein (p.Glu317Lys). The frequency data for this variant in the population databases is considered unreliable, as metrics indicate poor data quality at this position in the gnomAD database. This variant has not been reported in the literature in individuals affected with XRCC4-related conditions. ClinVar contains an entry for this variant (Variation ID: 1507399). An algorithm developed to predict the effect of missense changes on protein structure and function (PolyPhen-2) suggests that this variant is likely to be disruptive. In summary, the available evidence is currently insufficient to determine the role of this variant in disease. Therefore, it has been classified as a Variant of Uncertain Significance.

Fulgent Genetics
Classification: Uncertain significance for Short stature, microcephaly, and endocrine dysfunction. Last evaluated: 2024-04-15. Review status: criteria provided, single submitter. Criteria: ACMG Guidelines, 2015. Collection method: clinical testing. Allele origin: germline.

Ambry Genetics
Classification: Uncertain significance for Inborn genetic diseases. Last evaluated: 2023-07-14. Review status: criteria provided, single submitter. Criteria: Ambry Variant Classification Scheme 2023. Collection method: clinical testing. Allele origin: germline.

NM_003401.5(XRCC4):c.943G>A (p.Glu315Lys)

Gene: XRCC4 (X-ray repair cross complementing 4; plus strand). Cytogenetic location: 5q14.2.
Variant type: single nucleotide variant.
Coding change: c.943G>A on transcript NM_003401.5 (MANE Select); coding-DNA position 943, G replaced by A.
Protein change: p.Glu315Lys; replaces glutamic acid 315 with lysine.
Molecular consequence: missense variant.
Genome position (GRCh38, 1-based): chr5:83,353,180, G>A. VCF-style: chr5-83353180-G-A. GRCh37 (hg19) VCF-style: chr5-82648999-G-A.
Other names: c.949G>A (NM_022406.2, NM_022406.4); c.949G>A, p.Glu317Lys (NM_001318012.3, NM_022406.5); c.943G>A, p.Glu315Lys (NM_022550.4); short protein forms E317K, E315K.
Identifiers: ClinVar variation 1507399 (VCV001507399.8), dbSNP rs780229187, ClinGen allele CA3332315.